The following is an entry in ClinVar:

NM_000038.6(APC):c.332G>T (p.Ser111Ile)

Gene: APC (APC regulator of WNT signaling pathway; plus strand). Cytogenetic location: 5q22.2.
Variant type: single nucleotide variant.
Coding change: c.332G>T on transcript NM_000038.6 (MANE Select); coding-DNA position 332, G replaced by T.
Protein change: p.Ser111Ile; replaces serine 111 with isoleucine.
Molecular consequence: missense variant. On other transcripts: 5 prime UTR variant (4), non-coding transcript variant (2).
Genome position (GRCh38, 1-based): chr5:112,767,300, G>T. VCF-style: chr5-112767300-G-T. GRCh37 (hg19) VCF-style: chr5-112102997-G-T.
Other names: c.332G>T, p.Ser111Ile (NM_001127510.3, NM_001354895.2, NM_001354896.2 and 16 more transcripts); c.362G>T, p.Ser121Ile (NM_001127511.3, NM_001354897.2, NM_001354902.2 and 1 more transcripts); c.257G>T, p.Ser86Ile (NM_001354898.2, NM_001354904.2, NM_001407451.1); c.155G>T, p.Ser52Ile (NM_001354900.2, NM_001354901.2, NM_001354905.2 and 1 more transcripts); c.-704G>T (NM_001354906.2, NM_001407470.1, NM_001407471.1 and 1 more transcripts); short protein forms S111I, S121I, S52I, S86I.
Identifiers: ClinVar variation 3349229 (VCV003349229.1).

ClinVar aggregate classification (germline): Uncertain significance (0 of 4 stars; one submission).

Conditions:
APC-related disorder. Also called: APC-related condition.

gnomAD v4.1: 1 of 1,614,034 alleles (0.000062%); highest among the groups gnomAD compares: Non-Finnish European, 0.000085%; no homozygotes.

Submission:

PreventionGenetics, part of Exact Sciences
Classification: Uncertain significance for APC-related condition. Last evaluated: 2024-03-23. Review status: no assertion criteria provided. Collection method: clinical testing. Allele origin: germline.
Comment: The APC c.332G>T variant is predicted to result in the amino acid substitution p.Ser111Ile. To our knowledge, this variant has not been reported in the literature or in a large population database, indicating this variant is rare. At this time, the clinical significance of this variant is uncertain due to the absence of conclusive functional and genetic evidence.